The following is an entry in ClinVar:

ClinVar aggregate classification (germline): Uncertain significance (1 of 4 stars; one submission).

Conditions:
Developmental and epileptic encephalopathy, 23 (DEE23). Also called: Epileptic encephalopathy, early infantile, 23. Identifiers: Orphanet 411986, MedGen C4014492, MONDO:0014371, OMIM 615859.

Allele frequency attached by ClinVar (database versions not stated): gnomAD exomes below 0.00001; TOPMed below 0.00001; gnomAD 0.00001.
gnomAD v4.1: 6 of 1,449,014 alleles (0.00041%); highest among the groups gnomAD compares: Non-Finnish European, 0.00056%; no homozygotes.

Submission:

Labcorp Genetics (formerly Invitae), Labcorp
Classification: Uncertain significance for Developmental and epileptic encephalopathy, 23. Last evaluated: 2022-08-23. Review status: criteria provided, single submitter. Criteria: Invitae Variant Classification Sherloc (09022015). Collection method: clinical testing. Allele origin: germline.
Comment: In summary, the available evidence is currently insufficient to determine the role of this variant in disease. Therefore, it has been classified as a Variant of Uncertain Significance. Algorithms developed to predict the effect of missense changes on protein structure and function are either unavailable or do not agree on the potential impact of this missense change (SIFT: "Deleterious"; PolyPhen-2: "Benign"; Align-GVGD: "Class C0"). This variant has not been reported in the literature in individuals affected with DOCK7-related conditions. This variant is not present in population databases (gnomAD no frequency). This sequence change replaces asparagine, which is neutral and polar, with serine, which is neutral and polar, at codon 141 of the DOCK7 protein (p.Asn141Ser).

NM_001367561.1(DOCK7):c.422A>G (p.Asn141Ser)

Gene: DOCK7 (dedicator of cytokinesis 7; minus strand). Cytogenetic location: 1p31.3.
Variant type: single nucleotide variant.
Coding change: c.422A>G on transcript NM_001367561.1 (MANE Select); coding-DNA position 422, A replaced by G.
Protein change: p.Asn141Ser; replaces asparagine 141 with serine.
Molecular consequence: missense variant.
Genome position (GRCh38, 1-based): chr1:62,648,512, T>C on the plus strand (A>G on the coding strand, the complement: DOCK7 is on the minus strand). VCF-style: chr1-62648512-T-C. GRCh37 (hg19) VCF-style: chr1-63114183-T-C.
Other names: c.422A>G, p.Asn141Ser (NM_001271999.2, NM_001272000.2, NM_001272001.2 and 3 more transcripts); short protein forms N141S.
Identifiers: ClinVar variation 2156800 (VCV002156800.2), dbSNP rs1054166594, ClinGen allele CA23790369.